The following is an entry in ClinVar:

ClinVar aggregate classification (germline): Uncertain significance (1 of 4 stars; one submission).

Conditions:
LAMA2-related muscular dystrophy (LAMA2-RD). Also called: Laminin alpha 2-related dystrophy. Identifiers: MedGen C5679788, MONDO:0100228.

Submission:

Labcorp Genetics (formerly Invitae), Labcorp
Classification: Uncertain significance for LAMA2-related muscular dystrophy. Last evaluated: 2022-02-24. Review status: criteria provided, single submitter. Criteria: Invitae Variant Classification Sherloc (09022015). Collection method: clinical testing. Allele origin: germline.
Comment: This sequence change falls in intron 38 of the LAMA2 gene. It does not directly change the encoded amino acid sequence of the LAMA2 protein. It affects a nucleotide within the consensus splice site. This variant is not present in population databases (gnomAD no frequency). This variant has not been reported in the literature in individuals affected with LAMA2-related conditions. ClinVar contains an entry for this variant (Variation ID: 543863). Variants that disrupt the consensus splice site are a relatively common cause of aberrant splicing (PMID: 17576681, 9536098). Algorithms developed to predict the effect of sequence changes on RNA splicing suggest that this variant may disrupt the consensus splice site. This variant disrupts the c.5562+5G nucleotide in the LAMA2 gene. Other variant(s) that disrupt this nucleotide have been determined to be pathogenic (PMID: 1061118, 12552556). This suggests that this nucleotide is clinically significant, and that variants that disrupt this position are likely to be disease-causing. In summary, the available evidence is currently insufficient to determine the role of this variant in disease. Therefore, it has been classified as a Variant of Uncertain Significance.

Literature cited by the submitters: PubMed 17576681; PubMed 9536098; PubMed 1061118; PubMed 12552556.

NM_000426.4(LAMA2):c.5562+3_5562+6del

Gene: LAMA2 (laminin subunit alpha 2; plus strand). Cytogenetic location: 6q22.33.
Variant type: Deletion.
Coding change: c.5562+3_5562+6del on transcript NM_000426.4 (MANE Select); bases 3 to 6 of the intron after coding-DNA position 5562, 4 bases deleted (GAGT; older notation c.5562+3_5562+6delGAGT).
Molecular consequence: splice donor variant.
Genome position (GRCh38, 1-based): chr6:129,401,343-129,401,346, GAGT deleted; deleting any 4 consecutive bases within chr6:129,401,341-129,401,346 gives the same sequence; the c. name uses the placement nearest the transcript's 3' end. VCF-style (leftmost placement, unchanged base first): chr6-129401340-CGTGA-C. GRCh37 (hg19) VCF-style: chr6-129722485-CGTGA-C.
Other names: c.5562+3_5562+6del (NM_001079823.2); c.5562+3_5562+6delGAGT (NM_000426.3).
Identifiers: ClinVar variation 543863 (VCV000543863.6), dbSNP rs1554289654, ClinGen allele CA658796828.